The following is an entry in ClinVar:

ClinVar aggregate classification (germline): Uncertain significance (1 of 4 stars; one submission).

gnomAD v4.1: 2 of 1,614,122 alleles (0.00012%); highest among the groups gnomAD compares: South Asian, 0.0022%; no homozygotes.

Submission:

Labcorp Genetics (formerly Invitae), Labcorp
Classification: Uncertain significance. Last evaluated: 2025-11-18. Review status: criteria provided, single submitter. Criteria: Invitae Variant Classification Sherloc (09022015). Collection method: clinical testing. Allele origin: germline.
Comment: This sequence change replaces isoleucine, which is neutral and non-polar, with threonine, which is neutral and polar, at codon 24 of the OPA1 protein (p.Ile24Thr). This variant is not present in population databases (gnomAD no frequency). This variant has not been reported in the literature in individuals affected with OPA1-related conditions. Invitae Evidence Modeling of protein sequence and biophysical properties (such as structural, functional, and spatial information, amino acid conservation, physicochemical variation, residue mobility, and thermodynamic stability) indicates that this missense variant is not expected to disrupt OPA1 protein function with a negative predictive value of 95%. In summary, the available evidence is currently insufficient to determine the role of this variant in disease. Therefore, it has been classified as a Variant of Uncertain Significance.

NM_130837.3(OPA1):c.71T>C (p.Ile24Thr)

Gene: OPA1 (OPA1 mitochondrial dynamin like GTPase; plus strand). Cytogenetic location: 3q29.
Variant type: single nucleotide variant.
Coding change: c.71T>C on transcript NM_130837.3 (MANE Select); coding-DNA position 71, T replaced by C.
Protein change: p.Ile24Thr; replaces isoleucine 24 with threonine.
Molecular consequence: missense variant. On other transcripts: 5 prime UTR variant (2).
Genome position (GRCh38, 1-based): chr3:193,614,761, T>C. VCF-style: chr3-193614761-T-C. GRCh37 (hg19) VCF-style: chr3-193332550-T-C.
Other names: c.-302T>C (NM_001354663.2, NM_001354664.2); c.71T>C, p.Ile24Thr (NM_015560.3, NM_130831.3, NM_130832.3 and 4 more transcripts); short protein forms I24T.
Identifiers: ClinVar variation 4763779 (VCV004763779.1).